The following is an entry in ClinVar:

NM_000748.3(CHRNB2):c.223C>G (p.Gln75Glu)

Gene: CHRNB2 (cholinergic receptor nicotinic beta 2 subunit; plus strand). Cytogenetic location: 1q21.3.
Variant type: single nucleotide variant.
Coding change: c.223C>G on transcript NM_000748.3 (MANE Select); coding-DNA position 223, C replaced by G.
Protein change: p.Gln75Glu; replaces glutamine 75 with glutamic acid.
Molecular consequence: missense variant.
Genome position (GRCh38, 1-based): chr1:154,569,804, C>G. VCF-style: chr1-154569804-C-G. GRCh37 (hg19) VCF-style: chr1-154542280-C-G.
Other names: short protein forms Q75E.
Identifiers: ClinVar variation 1423335 (VCV001423335.8), dbSNP rs2149366248, ClinGen allele CA342629508.

ClinVar aggregate classification (germline): Uncertain significance (1 of 4 stars; one submission).

Conditions:
Familial sleep-related hypermotor epilepsy. Also called: Autosomal Dominant Sleep-Related Hypermotor (Hyperkinetic) Epilepsy. Identifiers: Orphanet 98784, MedGen C3696898, MONDO:0000030.

Submission:

Labcorp Genetics (formerly Invitae), Labcorp
Classification: Uncertain significance. Last evaluated: 2022-08-16. Review status: criteria provided, single submitter. Criteria: Invitae Variant Classification Sherloc (09022015). Collection method: clinical testing. Allele origin: germline.
Comment: This variant has not been reported in the literature in individuals affected with CHRNB2-related conditions. This variant is not present in population databases (gnomAD no frequency). This sequence change replaces glutamine, which is neutral and polar, with glutamic acid, which is acidic and polar, at codon 75 of the CHRNB2 protein (p.Gln75Glu). In summary, the available evidence is currently insufficient to determine the role of this variant in disease. Therefore, it has been classified as a Variant of Uncertain Significance. Advanced modeling of protein sequence and biophysical properties (such as structural, functional, and spatial information, amino acid conservation, physicochemical variation, residue mobility, and thermodynamic stability) performed at Invitae indicates that this missense variant is not expected to disrupt CHRNB2 protein function. ClinVar contains an entry for this variant (Variation ID: 1423335).